The following is an entry in ClinVar:

NM_001025356.3(ANO6):c.2526+10G>C

Gene: ANO6 (anoctamin 6; plus strand). Cytogenetic location: 12q12.
Variant type: single nucleotide variant.
Coding change: c.2526+10G>C on transcript NM_001025356.3 (MANE Select); 10 bases into the intron after coding-DNA position 2526, G replaced by C.
Molecular consequence: intron variant.
Genome position (GRCh38, 1-based): chr12:45,423,072, G>C. VCF-style: chr12-45423072-G-C. GRCh37 (hg19) VCF-style: chr12-45816855-G-C.
Other names: p.?; c.2526+10G>C (NM_001142679.2, NM_001025356.2); c.2589+10G>C (NM_001204803.2); c.2472+10G>C (NM_001142678.2).
Identifiers: ClinVar variation 2182464 (VCV002182464.6), dbSNP rs376621736, ClinGen allele CA6525634.
Genomic context (GRCh38, chr12:45,423,072, plus strand): 5'-TACTATTGGCATGTGATTGCAGCCAAGCTGGCTTTTATCATTGTCATGGAGGTAGGAAAA[G>C]TATGCTTTCAAACAGTTTATAAGGATGTGTATTTGCAGACCTTCCATTAAGTGTTGCCAA-3'

ClinVar aggregate classification (germline): Likely benign. Review status: criteria provided, multiple submitters, no conflicts (2 of 4 stars). 3 submissions from 3 submitters: Likely benign (3). Last evaluated 2025-10-01.

Allele frequency attached by ClinVar (database versions not stated): gnomAD 0.00007; gnomAD exomes 0.00007; TOPMed 0.00007; ESP Exome Variant Server 0.00008; ExAC 0.00010.
gnomAD v4.1: 130 of 1,593,514 alleles (0.0082%); highest among the groups gnomAD compares: Middle Eastern, 0.12%; no homozygotes.

Submissions (3):

Labcorp Genetics (formerly Invitae), Labcorp
Classification: Likely benign. Last evaluated: 2025-10-01. Review status: criteria provided, single submitter. Criteria: Invitae Variant Classification Sherloc (09022015). Collection method: clinical testing. Allele origin: germline.

Mayo Clinic Laboratories, Mayo Clinic
Classification: Likely benign. Last evaluated: 2025-05-05. Review status: criteria provided, single submitter. Criteria: ACMG Guidelines, 2015. Collection method: clinical testing. Allele origin: germline. Observed: 1 variant allele.
Comment: BS1_supporting, BP4, BP7

Women's Health and Genetics/Laboratory Corporation of America, LabCorp
Classification: Likely benign. Last evaluated: 2023-08-17. Review status: criteria provided, single submitter. Criteria: LabCorp Variant Classification Summary - May 2015. Collection method: clinical testing. Allele origin: germline.
Comment: Variant summary: ANO6 c.2526+10G>C alters a non-conserved nucleotide located at a position not widely known to affect splicing. 4/4 computational tools predict no significant impact on normal splicing. However, these predictions have yet to be confirmed by functional studies. The variant allele was found at a frequency of 0.00013 in 251238 control chromosomes. To our knowledge, no occurrence of c.2526+10G>C in individuals affected with SCOTT SYNDROME and no experimental evidence demonstrating its impact on protein function have been reported. One submitter has cited clinical-significance assessments for this variant to ClinVar after 2014 and has classified the variant as likely benign. Based on the evidence outlined above, the variant was classified as likely benign.